The following is an entry in ClinVar:

NM_024408.4(NOTCH2):c.4019C>T (p.Ala1340Val)

Gene: NOTCH2 (notch receptor 2; minus strand). Cytogenetic location: 1p12.
Variant type: single nucleotide variant.
Coding change: c.4019C>T on transcript NM_024408.4 (MANE Select); coding-DNA position 4019, C replaced by T.
Protein change: p.Ala1340Val; replaces alanine 1340 with valine.
Molecular consequence: missense variant.
Genome position (GRCh38, 1-based): chr1:119,925,797, G>A on the plus strand (C>T on the coding strand, the complement: NOTCH2 is on the minus strand). VCF-style: chr1-119925797-G-A. GRCh37 (hg19) VCF-style: chr1-120468420-G-A.
Other names: short protein forms A1340V.
Identifiers: ClinVar variation 1699062 (VCV001699062.4), dbSNP rs1649454489, ClinGen allele CA341891396.

ClinVar aggregate classification (germline): Uncertain significance. Review status: criteria provided, multiple submitters, no conflicts (2 of 4 stars). 2 submissions from 2 submitters: Uncertain significance (2). Last evaluated 2024-04-22.

Conditions:
Alagille syndrome due to a NOTCH2 point mutation. Also called: Alagille syndrome 2. Identifiers: Orphanet 261629, Orphanet 52, MedGen C1857761, MONDO:0012439, OMIM 610205.
Hajdu-Cheney syndrome (HJCYS). Also called: ACROOSTEOLYSIS WITH OSTEOPOROSIS AND CHANGES IN SKULL AND MANDIBLE; SERPENTINE FIBULA-POLYCYSTIC KIDNEY SYNDROME; Acroosteolysis dominant type. Identifiers: Orphanet 955, MedGen C0917715, MONDO:0007057, OMIM 102500.

gnomAD v4.1: 1 of 1,614,086 alleles (0.000062%); highest among the groups gnomAD compares: African/African-American, 0.0013%; no homozygotes.

Submissions (2):

Fulgent Genetics
Classification: Uncertain significance for Hajdu-Cheney syndrome; Alagille syndrome due to a NOTCH2 point mutation. Last evaluated: 2024-04-22. Review status: criteria provided, single submitter. Criteria: ACMG Guidelines, 2015. Collection method: clinical testing. Allele origin: germline.

Victorian Clinical Genetics Services, Murdoch Childrens Research Institute
Classification: Uncertain significance for Alagille syndrome due to a NOTCH2 point mutation. Last evaluated: 2022-02-02. Review status: criteria provided, single submitter. Criteria: ACMG Guidelines, 2015. Collection method: clinical testing. Allele origin: germline. Inheritance: Autosomal dominant inheritance.
Comment: Based on the classification scheme VCGS_Germline_v1.3.4, this variant is classified as VUS-3C. Following criteria are met: 0103 - Loss of function and gain of function are known mechanisms of disease in this gene and are associated with Alagille syndrome (MIM#2610205) and Hajdu-Cheney syndrome (MIM#102500), respectively. Specifically, the latter is caused by protein-truncating variants (PMIDs: 28512196, 28941602). (I) 0107 - This gene is associated with autosomal dominant disease. (I) 0115 - Variants in this gene are known to have variable expressivity (GeneReviews).(I) 0200 - Variant is predicted to result in a missense amino acid change from alanine to valine. (I) 0251 - This variant is heterozygous. (I) 0301 - Variant is absent from gnomAD (both v2 and v3). (SP) 0504 - Same amino acid change has been observed in placental mammals. (SB) 0600 - Variant is located in the annotated EGF-like domain (DECIPHER). (I) 0705 - No comparable missense variants have previous evidence for pathogenicity. (I) 0807 - This variant has no previous evidence of pathogenicity. (I) 0905 - No published segregation evidence has been identified for this variant. (I) 1007 - No published functional evidence has been identified for this variant. (I) 1208 - Inheritance information for this variant is not currently available in this individual. (I) Legend: (SP) - Supporting pathogenic, (I) - Information, (SB) - Supporting benign

Literature cited by the submitters: PubMed 28512196 (cited by Victorian Clinical Genetics Services, Murdoch Childrens Research Institute); PubMed 28941602 (cited by Victorian Clinical Genetics Services, Murdoch Childrens Research Institute).